The following is an entry in ClinVar:

NM_001114753.3(ENG):c.1120A>G (p.Lys374Glu)

Gene: ENG (endoglin; minus strand). Cytogenetic location: 9q34.11.
Variant type: single nucleotide variant.
Coding change: c.1120A>G on transcript NM_001114753.3 (MANE Select); coding-DNA position 1120, A replaced by G.
Protein change: p.Lys374Glu; replaces lysine 374 with glutamic acid.
Molecular consequence: missense variant.
Genome position (GRCh38, 1-based): chr9:127,824,318, T>C on the plus strand (A>G on the coding strand, the complement: ENG is on the minus strand). VCF-style: chr9-127824318-T-C. GRCh37 (hg19) VCF-style: chr9-130586597-T-C.
Other names: c.1120A>G, p.Lys374Glu (NM_000118.4, NM_001406715.1); c.574A>G, p.Lys192Glu (NM_001278138.2); short protein forms K192E, K374E.
Identifiers: ClinVar variation 1797610 (VCV001797610.3), dbSNP rs2539070821, ClinGen allele CA374980663.

ClinVar aggregate classification (germline): Likely pathogenic (1 of 4 stars; one submission).

Conditions:
Cardiovascular phenotype. Identifiers: MedGen CN230736.

Submission:

Ambry Genetics
Classification: Likely pathogenic for Cardiovascular phenotype. Last evaluated: 2023-05-10. Review status: criteria provided, single submitter. Criteria: Ambry Variant Classification Scheme 2023. Collection method: clinical testing. Allele origin: germline.
Comment: The p.K374E variant (also known as c.1120A>G), located in coding exon 8 of the ENG gene, results from an A to G substitution at nucleotide position 1120. The lysine at codon 374 is replaced by glutamic acid, an amino acid with similar properties. This alteration has been reported in individuals with a clinical diagnosis of hereditary hemorrhagic telangiectasia (HHT) (Richards-Yutz J et al. Hum Genet, 2010 Jul;128:61-77; Ambry internal data). This variant is considered to be rare based on population cohorts in the Genome Aggregation Database (gnomAD). This amino acid position is highly conserved in available vertebrate species. In addition, the in silico prediction for this alteration is inconclusive. Based on the majority of available evidence to date, this variant is likely to be pathogenic.

Literature cited by the submitters: PubMed 20414677.